The following is an entry in ClinVar:

ClinVar aggregate classification (germline): Uncertain significance (1 of 4 stars; one submission).

Allele frequency attached by ClinVar (database versions not stated): gnomAD 0.00001; ESP Exome Variant Server 0.00008; TOPMed below 0.00001.

Submission:

Greenwood Genetic Center Diagnostic Laboratories, Greenwood Genetic Center
Classification: Uncertain significance. Last evaluated: 2022-02-07. Review status: criteria provided, single submitter. Criteria: ACMG Guidelines, 2015. Collection method: clinical testing. Allele origin: germline. Affected: yes.
Comment: PM2, PP2

NM_001365.5(DLG4):c.109G>A (p.Ala37Thr)

Genes: ACADVL (acyl-CoA dehydrogenase very long chain; plus strand), DLG4 (discs large MAGUK scaffold protein 4; minus strand). Cytogenetic location: 17p13.1.
Variant type: single nucleotide variant.
Coding change: c.109G>A on transcript NM_001365.5 (MANE Plus Clinical); coding-DNA position 109, G replaced by A.
Protein change: p.Ala37Thr; replaces alanine 37 with threonine.
Molecular consequence: missense variant. On other transcripts: non-coding transcript variant (1), intron variant (1).
Genome position (GRCh38, 1-based): chr17:7,218,550, C>T on the plus strand (G>A on the coding strand, the complement: DLG4 is on the minus strand). VCF-style: chr17-7218550-C-T. GRCh37 (hg19) VCF-style: chr17-7121869-C-T.
Other names: c.109G>A, p.Ala37Thr (NM_001321074.1); c.131+732C>T (NM_001270447.2); short protein forms A37T.
Identifiers: ClinVar variation 1676574 (VCV001676574.5), dbSNP rs372479041, ClinGen allele CA8337417.